The following is an entry in ClinVar:

NM_001211.6(BUB1B):c.1568G>T (p.Gly523Val)

Gene: BUB1B (BUB1 mitotic checkpoint serine/threonine kinase B; plus strand). Cytogenetic location: 15q15.1.
Variant type: single nucleotide variant.
Coding change: c.1568G>T on transcript NM_001211.6 (MANE Select); coding-DNA position 1568, G replaced by T.
Protein change: p.Gly523Val; replaces glycine 523 with valine.
Molecular consequence: missense variant.
Genome position (GRCh38, 1-based): chr15:40,202,405, G>T. VCF-style: chr15-40202405-G-T. GRCh37 (hg19) VCF-style: chr15-40494606-G-T.
Other names: short protein forms G523V.
Identifiers: ClinVar variation 2841669 (VCV002841669.3), dbSNP rs2140901851, ClinGen allele CA391691042.

ClinVar aggregate classification (germline): Uncertain significance (1 of 4 stars; one submission).

Conditions:
Mosaic variegated aneuploidy syndrome 1 (MVA1). Also called: Warburton-Anyane-Yeboa syndrome. Identifiers: Orphanet 1052, MedGen C1850343, MONDO:0009759, OMIM 257300.

Submission:

Labcorp Genetics (formerly Invitae), Labcorp
Classification: Uncertain significance for Mosaic variegated aneuploidy syndrome 1. Last evaluated: 2023-03-01. Review status: criteria provided, single submitter. Criteria: Invitae Variant Classification Sherloc (09022015). Collection method: clinical testing. Allele origin: germline.
Comment: In summary, the available evidence is currently insufficient to determine the role of this variant in disease. Therefore, it has been classified as a Variant of Uncertain Significance. Algorithms developed to predict the effect of sequence changes on RNA splicing suggest that this variant may disrupt the consensus splice site. An algorithm developed to predict the effect of missense changes on protein structure and function (PolyPhen-2) suggests that this variant is likely to be tolerated. This variant has not been reported in the literature in individuals affected with BUB1B-related conditions. This variant is not present in population databases (gnomAD no frequency). This sequence change replaces glycine, which is neutral and non-polar, with valine, which is neutral and non-polar, at codon 523 of the BUB1B protein (p.Gly523Val).